The following is an entry in ClinVar:

NM_138694.4(PKHD1):c.7215+1G>T

Gene: PKHD1 (PKHD1 ciliary IPT domain containing fibrocystin/polyductin; minus strand). Cytogenetic location: 6p12.2.
Variant type: single nucleotide variant.
Coding change: c.7215+1G>T on transcript NM_138694.4 (MANE Select); the canonical splice donor site of the intron after coding-DNA position 7215, G replaced by T.
Molecular consequence: splice donor variant.
Genome position (GRCh38, 1-based): chr6:51,885,866, C>A on the plus strand (G>T on the coding strand, the complement: PKHD1 is on the minus strand). VCF-style: chr6-51885866-C-A. GRCh37 (hg19) VCF-style: chr6-51750664-C-A.
Other names: c.7215+1G>T (NM_138694.3, NM_170724.3).
Identifiers: ClinVar variation 2098384 (VCV002098384.7), dbSNP rs866054011, ClinGen allele CA364423012.

ClinVar aggregate classification (germline): Likely pathogenic. Review status: criteria provided, multiple submitters, no conflicts (2 of 4 stars). 3 submissions from 3 submitters: Likely pathogenic (3). Last evaluated 2025-03-21.

Conditions:
Autosomal recessive polycystic kidney disease (ARPKD). Also called: AR polycystic kidney disease. Identifiers: Orphanet 731, Orphanet 8378, MedGen C0085548, MeSH D017044, MONDO:0009889.
Polycystic kidney disease 4 (PKD4). Also called: POLYCYSTIC KIDNEY AND HEPATIC DISEASE 1; POLYCYSTIC KIDNEY DISEASE, INFANTILE, TYPE I; Autosomal Recessive Polycystic Kidney Disease – PKHD1; POLYCYSTIC KIDNEY DISEASE 4 WITH OR WITHOUT POLYCYSTIC LIVER DISEASE; PKD3. Identifiers: MedGen C4540575, MONDO:0033004, OMIM 263200.

Submissions (3):

Natera, Inc.
Classification: Likely pathogenic for Autosomal recessive polycystic kidney disease. Last evaluated: 2025-03-21. Review status: criteria provided, single submitter. Criteria: Natera Variant Classification Schema (03/2026). Collection method: clinical testing. Allele origin: germline.
Comment: The c.7215+1G>T variant in PKHD1 is a canonical splice donor site variant predicted to affect pre-mRNA splicing, which may result in an abnormal transcript and altered protein product. This variant is expected to result in nonsense mediated decay, truncation, or a dysfunctional protein product. This variant is rare in the general population with a frequency below the threshold expected for the associated phenotype(s). Given the available evidence, this variant is classified as Likely Pathogenic.

Human Genetics Bochum, Ruhr University Bochum
Classification: Likely pathogenic for Polycystic kidney disease 4. Last evaluated: 2023-01-31. Review status: criteria provided, single submitter. Criteria: ACMG Guidelines, 2015. Collection method: clinical testing. Allele origin: germline. Affected: yes.
Comment: ACMG criteria used to clasify this variant: PVS1, PM2_SUP

Labcorp Genetics (formerly Invitae), Labcorp
Classification: Likely pathogenic for Autosomal recessive polycystic kidney disease. Last evaluated: 2022-02-18. Review status: criteria provided, single submitter. Criteria: Invitae Variant Classification Sherloc (09022015). Collection method: clinical testing. Allele origin: germline.
Comment: In summary, the currently available evidence indicates that the variant is pathogenic, but additional data are needed to prove that conclusively. Therefore, this variant has been classified as Likely Pathogenic. Algorithms developed to predict the effect of sequence changes on RNA splicing suggest that this variant may disrupt the consensus splice site. Disruption of this splice site has been observed in individual(s) with PKHD1-related conditions (PMID: 33940108). This variant is not present in population databases (gnomAD no frequency). This sequence change affects a donor splice site in intron 45 of the PKHD1 gene. It is expected to disrupt RNA splicing. Variants that disrupt the donor or acceptor splice site typically lead to a loss of protein function (PMID: 16199547), and loss-of-function variants in PKHD1 are known to be pathogenic (PMID: 19940839).

Literature cited by the submitters: PubMed 33940108 (cited by Labcorp Genetics (formerly Invitae), Labcorp); PubMed 16199547 (cited by Labcorp Genetics (formerly Invitae), Labcorp); PubMed 19940839 (cited by Labcorp Genetics (formerly Invitae), Labcorp).